The following is an entry in ClinVar:

ClinVar aggregate classification (germline): Uncertain significance (1 of 4 stars; one submission).

Conditions:
Pyruvate dehydrogenase E3 deficiency (DLDD). Also called: Dihydrolipoamide Dehydrogenase (E3) Deficiency; MAPLE SYRUP URINE DISEASE, TYPE III; DLD DEFICIENCY; E3 DEFICIENCY; Dihydrolipoamide Dehydrogenase E3 Deficiency; Lipoamide dehydrogenase deficiency, lactic acidosis due to. Identifiers: Orphanet 2394, Orphanet 765, MedGen C5574660, MONDO:0009529, OMIM 246900.

gnomAD v4.1: 1 of 1,613,836 alleles (0.000062%); highest among the groups gnomAD compares: Non-Finnish European, 0.000085%; no homozygotes.

Submission:

Labcorp Genetics (formerly Invitae), Labcorp
Classification: Uncertain significance for Pyruvate dehydrogenase E3 deficiency. Last evaluated: 2024-04-06. Review status: criteria provided, single submitter. Criteria: Invitae Variant Classification Sherloc (09022015). Collection method: clinical testing. Allele origin: germline.
Comment: This sequence change falls in intron 1 of the DLD gene. It does not directly change the encoded amino acid sequence of the DLD protein. This variant is not present in population databases (gnomAD no frequency). This variant has not been reported in the literature in individuals affected with DLD-related conditions. Algorithms developed to predict the effect of sequence changes on RNA splicing suggest that this variant may create or strengthen a splice site. In summary, the available evidence is currently insufficient to determine the role of this variant in disease. Therefore, it has been classified as a Variant of Uncertain Significance.

NM_000108.5(DLD):c.39+13T>C

Gene: DLD (dihydrolipoamide dehydrogenase; plus strand). Cytogenetic location: 7q31.1.
Variant type: single nucleotide variant.
Coding change: c.39+13T>C on transcript NM_000108.5 (MANE Select); 13 bases into the intron after coding-DNA position 39, T replaced by C.
Molecular consequence: intron variant.
Genome position (GRCh38, 1-based): chr7:107,891,302, T>C. VCF-style: chr7-107891302-T-C. GRCh37 (hg19) VCF-style: chr7-107531747-T-C.
Other names: c.39+13T>C (NM_001289752.1, NM_001289751.1); c.-110+13T>C (NM_001289750.1).
Identifiers: ClinVar variation 3628586 (VCV003628586.2).
Genomic context (GRCh38, chr7:107,891,302, plus strand): 5'-AGCGGAAAAATGCAGAGCTGGAGTCGTGTGTACTGCTCCTTGGCCAAGGTGAGGGCCGAG[T>C]AGGTGAGGTCGTGTTGAGCCAGAGGCACGGAAGGTCCCGCTCAGTGGGTCCGGTACGCGG-3'